The following is an entry in ClinVar:

ClinVar aggregate classification (germline): Uncertain significance. Review status: criteria provided, multiple submitters, no conflicts (2 of 4 stars). 4 submissions from 4 submitters: Uncertain significance (4). Last evaluated 2026-02-25.

Conditions:
Ehlers-Danlos syndrome, classic type, 1 (EDSCL1). Also called: EHLERS-DANLOS SYNDROME, GRAVIS TYPE; EHLERS-DANLOS SYNDROME, SEVERE CLASSIC TYPE; Ehlers-Danlos syndrome, type 1; Ehlers-Danlos Syndrome, Classic Type, COL5A1-Related; EDS I. Identifiers: MedGen C0268335, MONDO:0019567, OMIM 130000.
Familial thoracic aortic aneurysm and aortic dissection (TAAD). Also called: Thoracic aortic aneurysms and dissections. Identifiers: Orphanet 91387, MedGen C4707243, MONDO:0019625.

Allele frequency attached by ClinVar (database versions not stated): gnomAD exomes below 0.00001.
gnomAD v4.1: 3 of 1,552,186 alleles (0.00019%); highest among the groups gnomAD compares: Non-Finnish European, 0.00026%; no homozygotes.

Submissions (4):

Ambry Genetics
Classification: Uncertain significance for Familial thoracic aortic aneurysm and aortic dissection. Last evaluated: 2026-02-25. Review status: criteria provided, single submitter. Criteria: Ambry Variant Classification Scheme 2023. Collection method: clinical testing. Allele origin: germline.

Labcorp Genetics (formerly Invitae), Labcorp
Classification: Uncertain significance for Ehlers-Danlos syndrome, classic type, 1. Last evaluated: 2024-10-09. Review status: criteria provided, single submitter. Criteria: Invitae Variant Classification Sherloc (09022015). Collection method: clinical testing. Allele origin: germline.
Comment: This sequence change replaces arginine, which is basic and polar, with cysteine, which is neutral and slightly polar, at codon 1001 of the COL5A2 protein (p.Arg1001Cys). This variant is not present in population databases (gnomAD no frequency). This variant has not been reported in the literature in individuals affected with COL5A2-related conditions. ClinVar contains an entry for this variant (Variation ID: 213153). Invitae Evidence Modeling of protein sequence and biophysical properties (such as structural, functional, and spatial information, amino acid conservation, physicochemical variation, residue mobility, and thermodynamic stability) indicates that this missense variant is expected to disrupt COL5A2 protein function with a positive predictive value of 80%. In summary, the available evidence is currently insufficient to determine the role of this variant in disease. Therefore, it has been classified as a Variant of Uncertain Significance.

Blueprint Genetics
Classification: Uncertain significance. Last evaluated: 2023-08-14. Review status: criteria provided, single submitter. Criteria: ACMG Guidelines, 2015. Collection method: clinical testing. Allele origin: germline.

GeneDx
Classification: Uncertain significance. Last evaluated: 2017-10-24. Review status: criteria provided, single submitter. Criteria: GeneDx Variant Classification (06012015). Collection method: clinical testing. Allele origin: germline. Affected: yes.
Comment: TAAD is a genetically heterogeneous disorder characterized by aortic dilatation, aneurysms, dissections and/or aneurysms of other major arteries. Approximately 4% of patients with autosomal dominant Ehlers-Danlos syndrome, classic type, have been reported to have a mutation in the COL5A2 gene (Malfait F et al., 2011). A variant of unknown significance has been identified in the COL5A2 gene. The R1001C variant has not been published as a mutation, nor has it been reported as a benign polymorphism to our knowledge. The R1001C variant was not observed in approximately 6,200 individuals of European and African American ancestry in the NHLBI Exome Sequencing Project, indicating it is not a common benign variant in these populations. The R1001C variant is a non-conservative amino acid substitution, which is likely to impact secondary protein structure as these residues differ in polarity, charge, size and/or other properties. This substitution occurs at a position that is conserved across species. In silico analysis predicts this variant is probably damaging to the protein structure/function. Nevertheless, no missense mutations in nearby residues have been reported indicating that this region of the protein may be tolerant of change. Therefore, based on the currently available information, it is unclear whether this variant is a pathogenic mutation or a rare benign variant. This variant was found in TAADV2-1.

NM_000393.5(COL5A2):c.3001C>T (p.Arg1001Cys)

Gene: COL5A2 (collagen type V alpha 2 chain; minus strand). Cytogenetic location: 2q32.2.
Variant type: single nucleotide variant.
Coding change: c.3001C>T on transcript NM_000393.5 (MANE Select); coding-DNA position 3001, C replaced by T.
Protein change: p.Arg1001Cys; replaces arginine 1001 with cysteine.
Molecular consequence: missense variant.
Genome position (GRCh38, 1-based): chr2:189,050,607, G>A on the plus strand (C>T on the coding strand, the complement: COL5A2 is on the minus strand). VCF-style: chr2-189050607-G-A. GRCh37 (hg19) VCF-style: chr2-189915333-G-A.
Other names: p.R1001C:CGT>TGT; short protein forms R1001C.
Identifiers: ClinVar variation 213153 (VCV000213153.12), dbSNP rs863223507, ClinGen allele CA320292.